The following is an entry in ClinVar:

NM_000202.8(IDS):c.314_339del (p.Phe105fs)

Gene: IDS (iduronate 2-sulfatase; minus strand). Cytogenetic location: Xq28.
Variant type: Deletion.
Coding change: c.314_339del on transcript NM_000202.8 (MANE Select); coding-DNA positions 314 to 339, 26 bases deleted (TCAACTCCTACTGGAGGGTGCACGCT).
Protein change: p.Phe105fs; shifts the reading frame from phenylalanine 105.
Molecular consequence: frameshift variant. On other transcripts: non-coding transcript variant (1).
Genome position (GRCh38, 1-based): chrX:149,503,391-149,503,416, AGCGTGCACCCTCCAGTAGGAGTTGA deleted on the plus strand (TCAACTCCTACTGGAGGGTGCACGCT on the coding strand, the reverse complement: IDS is on the minus strand); deleting any 26 consecutive bases within chrX:149,503,391-149,503,418 gives the same sequence; the c. name uses the placement nearest the transcript's 3' end. VCF-style (leftmost placement, unchanged base first): chrX-149503390-CAGCGTGCACCCTCCAGTAGGAGTTGA-C. GRCh37 (hg19) VCF-style: chrX-148584920-CAGCGTGCACCCTCCAGTAGGAGTTGA-C.
Other names: c.44_69del, p.Phe15fs (NM_001166550.4); c.314_339del, p.Phe105fs (NM_006123.5); short protein forms F105fs, F15fs.
Identifiers: ClinVar variation 3255663 (VCV003255663.2).

ClinVar aggregate classification (germline): Pathogenic (1 of 4 stars; one submission).

Conditions:
Mucopolysaccharidosis, MPS-II (MPS2). Also called: Hunter Syndrome; IDURONATE 2-SULFATASE DEFICIENCY; Mucopolysaccharidosis Type II; Mucopolysaccharidosis type 2; Attenuated MPS (subtype; formerly known as mild MPS II); Severe MPS II. Identifiers: Orphanet 580, Orphanet 79388, MedGen C0026705, MONDO:0010674, OMIM 309900.

Submission:

Laboratory of Diagnosis and Therapy of Lysosomal Disorders, University of Padova
Classification: Pathogenic for Mucopolysaccharidosis, MPS-II. Last evaluated: 2024-06-07. Review status: criteria provided, single submitter. Criteria: ACMG Guidelines, 2015. Collection method: literature only. Allele origin: germline. Affected: yes. Observed: 1 variant allele.
Comment: Null variant (PVS1_VeryStrong), Absent from controls (or at low frequency) in gnomAD database (PM2_Moderate), Patient’s phenotype or family history highly specific for the disease (PP4_Strong)

Classification method: ACMG Guidelines [PMID:25741868] with modifications

Literature cited by the submitters: PubMed 36713083.